The following is an entry in ClinVar:

NM_015122.3(FCHO1):c.674C>T (p.Thr225Met)

Gene: FCHO1 (FCH and mu domain containing endocytic adaptor 1; plus strand). Cytogenetic location: 19p13.11.
Variant type: single nucleotide variant.
Coding change: c.674C>T on transcript NM_015122.3 (MANE Select); coding-DNA position 674, C replaced by T.
Protein change: p.Thr225Met; replaces threonine 225 with methionine.
Molecular consequence: missense variant. On other transcripts: non-coding transcript variant (36).
Genome position (GRCh38, 1-based): chr19:17,772,536, C>T. VCF-style: chr19-17772536-C-T. GRCh37 (hg19) VCF-style: chr19-17883345-C-T.
Other names: c.674C>T, p.Thr225Met (NM_001161357.2, NM_001161358.2, NM_001384370.1 and 26 more transcripts); c.524C>T, p.Thr175Met (NM_001161359.2, NM_001384384.1, NM_001384385.1 and 3 more transcripts); c.635C>T, p.Thr212Met (NM_001384388.1, NM_001384389.1, NM_001384405.1); c.599C>T, p.Thr200Met (NM_001384390.1); c.674C>T (NM_001161357.1); short protein forms T200M, T212M, T225M, T175M.
Identifiers: ClinVar variation 1925572 (VCV001925572.5), dbSNP rs528053341, ClinGen allele CA9300181.

ClinVar aggregate classification (germline): Uncertain significance. Review status: criteria provided, multiple submitters, no conflicts (2 of 4 stars). 2 submissions from 2 submitters: Uncertain significance (2). Last evaluated 2025-08-23.

Allele frequency attached by ClinVar (database versions not stated): gnomAD exomes 0.00001; TOPMed 0.00001; ExAC 0.00002; gnomAD 0.00003.
gnomAD v4.1: 19 of 1,613,950 alleles (0.0012%); highest among the groups gnomAD compares: East Asian, 0.0089%; no homozygotes.

Submissions (2):

Ambry Genetics
Classification: Uncertain significance. Last evaluated: 2025-08-23. Review status: criteria provided, single submitter. Criteria: Ambry Variant Classification Scheme 2023. Collection method: clinical testing. Allele origin: germline.

Labcorp Genetics (formerly Invitae), Labcorp
Classification: Uncertain significance. Last evaluated: 2025-04-23. Review status: criteria provided, single submitter. Criteria: Invitae Variant Classification Sherloc (09022015). Collection method: clinical testing. Allele origin: germline.
Comment: This sequence change replaces threonine, which is neutral and polar, with methionine, which is neutral and non-polar, at codon 225 of the FCHO1 protein (p.Thr225Met). This variant is present in population databases (rs528053341, gnomAD 0.01%). This variant has not been reported in the literature in individuals affected with FCHO1-related conditions. ClinVar contains an entry for this variant (Variation ID: 1925572). An algorithm developed to predict the effect of missense changes on protein structure and function (PolyPhen-2) suggests that this variant is likely to be disruptive. In summary, the available evidence is currently insufficient to determine the role of this variant in disease. Therefore, it has been classified as a Variant of Uncertain Significance.